The following is an entry in ClinVar:

ClinVar aggregate classification (germline): Uncertain significance (1 of 4 stars; one submission).

Conditions:
Primary immunodeficiency with post-measles-mumps-rubella vaccine viral infection. Also called: Immunodeficiency 44. Identifiers: Orphanet 431166, MedGen C4225260, MONDO:0014715, OMIM 616636.

Allele frequency attached by ClinVar (database versions not stated): gnomAD exomes below 0.00001 and 0.00001.
gnomAD v4.1: 2 of 1,613,900 alleles (0.00012%); highest among the groups gnomAD compares: Admixed American, 0.0033%; no homozygotes.

Submission:

Labcorp Genetics (formerly Invitae), Labcorp
Classification: Uncertain significance for Primary immunodeficiency with post-measles-mumps-rubella vaccine viral infection. Last evaluated: 2022-06-20. Review status: criteria provided, single submitter. Criteria: Invitae Variant Classification Sherloc (09022015). Collection method: clinical testing. Allele origin: germline.
Comment: This variant is present in population databases (no rsID available, gnomAD 0.006%). In summary, the available evidence is currently insufficient to determine the role of this variant in disease. Therefore, it has been classified as a Variant of Uncertain Significance. Variants that disrupt the consensus splice site are a relatively common cause of aberrant splicing (PMID: 17576681, 9536098). Algorithms developed to predict the effect of sequence changes on RNA splicing suggest that this variant is not likely to affect RNA splicing. This variant has not been reported in the literature in individuals affected with STAT2-related conditions. This sequence change falls in intron 11 of the STAT2 gene. It does not directly change the encoded amino acid sequence of the STAT2 protein. It affects a nucleotide within the consensus splice site.

Literature cited by the submitters: PubMed 17576681; PubMed 9536098.

NM_005419.4(STAT2):c.1094+4A>C

Gene: STAT2 (signal transducer and activator of transcription 2; minus strand). Cytogenetic location: 12q13.3.
Variant type: single nucleotide variant.
Coding change: c.1094+4A>C on transcript NM_005419.4 (MANE Select); 4 bases into the intron after coding-DNA position 1094, A replaced by C.
Molecular consequence: intron variant.
Genome position (GRCh38, 1-based): chr12:56,350,825, T>G on the plus strand (A>C on the coding strand, the complement: STAT2 is on the minus strand). VCF-style: chr12-56350825-T-G. GRCh37 (hg19) VCF-style: chr12-56744609-T-G.
Other names: c.1082+4A>C (NM_001385110.1, NM_001385115.1, NM_198332.2); c.1094+4A>C (NM_001385114.1, NM_001385111.1, NM_001385113.1).
Identifiers: ClinVar variation 1363353 (VCV001363353.5), dbSNP rs1399043025, ClinGen allele CA605262672.